The following is an entry in ClinVar:

NM_004383.3(CSK):c.1282G>A (p.Ala428Thr)

Gene: CSK (C-terminal Src kinase; plus strand). Cytogenetic location: 15q24.1.
Variant type: single nucleotide variant.
Coding change: c.1282G>A on transcript NM_004383.3 (MANE Select); coding-DNA position 1282, G replaced by A.
Protein change: p.Ala428Thr; replaces alanine 428 with threonine.
Molecular consequence: missense variant. On other transcripts: non-coding transcript variant (1).
Genome position (GRCh38, 1-based): chr15:74,802,442, G>A. VCF-style: chr15-74802442-G-A. GRCh37 (hg19) VCF-style: chr15-75094783-G-A.
Other names: c.1282G>A, p.Ala428Thr (NM_001127190.2, NM_001354988.2, NM_001387089.1 and 4 more transcripts); c.1279G>A, p.Ala427Thr (NM_001387094.1, NM_001387095.1); c.1240G>A, p.Ala414Thr (NM_001387096.1); c.1183G>A, p.Ala395Thr (NM_001387097.1); c.1153G>A, p.Ala385Thr (NM_001387098.1); short protein forms A385T, A395T, A414T, A427T, A428T.
Identifiers: ClinVar variation 3024825 (VCV003024825.22), dbSNP rs147023686, ClinGen allele CA7660586.

ClinVar aggregate classification (germline): Benign (1 of 4 stars; one submission).

Allele frequency attached by ClinVar (database versions not stated): TOPMed 0.00015; ESP Exome Variant Server 0.00031; gnomAD 0.00037; gnomAD exomes 0.00082; ExAC 0.00156; 1000 Genomes Project 0.00260; 1000 Genomes Project 30x 0.00265.
gnomAD v4.1: 1,253 of 1,612,656 alleles (0.078%); highest among the groups gnomAD compares: South Asian, 1.1%; 19 homozygotes.

Submission:

CeGaT Center for Human Genetics Tuebingen
Classification: Benign. Last evaluated: 2024-02-01. Review status: criteria provided, single submitter. Criteria: CeGaT Center For Human Genetics Tuebingen Variant Classification Criteria Version 2. Collection method: clinical testing. Allele origin: germline. Affected: yes. Observed: 1 variant allele.
Comment: CSK: PP2, BP4, BS1, BS2